The following is an entry in ClinVar:

ClinVar aggregate classification (germline): Pathogenic (1 of 4 stars; one submission).

Submission:

Labcorp Genetics (formerly Invitae), Labcorp
Classification: Pathogenic. Last evaluated: 2025-11-08. Review status: criteria provided, single submitter. Criteria: Invitae Variant Classification Sherloc (09022015). Collection method: clinical testing. Allele origin: germline.
Comment: This sequence change creates a premature translational stop signal (p.Gln189*) in the TPP1 gene. It is expected to result in an absent or disrupted protein product. Loss-of-function variants in TPP1 are known to be pathogenic (PMID: 10330339). Information on the frequency of this variant in the gnomAD database is not available, as this variant may be reported differently in the database. This premature translational stop signal has been observed in individual(s) with neuronal ceroid lipofuscinosis (PMID: 34888859). For these reasons, this variant has been classified as Pathogenic.

Literature cited by the submitters: PubMed 10330339; PubMed 34888859.

NM_000391.4(TPP1):c.564_565delinsTT (p.Gln189Ter)

Gene: TPP1 (tripeptidyl peptidase 1; minus strand). Cytogenetic location: 11p15.4.
Variant type: Indel.
Coding change: c.564_565delinsTT on transcript NM_000391.4 (MANE Select); coding-DNA positions 564 to 565, GC replaced by TT.
Protein change: p.Gln189Ter; replaces glutamine 189 with a stop codon.
Molecular consequence: nonsense.
Genome position (GRCh38, 1-based): chr11:6,617,097-6,617,098, GC replaced by AA on the plus strand (GC replaced by TT on the coding strand, the reverse complement: TPP1 is on the minus strand). VCF-style: chr11-6617097-GC-AA. GRCh37 (hg19) VCF-style: chr11-6638328-GC-AA.
Other names: short protein forms Q189*.
Identifiers: ClinVar variation 4730699 (VCV004730699.1).